The following is an entry in ClinVar:

ClinVar aggregate classification (germline): Uncertain significance (1 of 4 stars; one submission).

Allele frequency attached by ClinVar (database versions not stated): TOPMed below 0.00001.
gnomAD v4.1: 12 of 1,613,916 alleles (0.00074%); highest among the groups gnomAD compares: Non-Finnish European, 0.001%; no homozygotes.

Submission:

Labcorp Genetics (formerly Invitae), Labcorp
Classification: Uncertain significance. Last evaluated: 2022-11-20. Review status: criteria provided, single submitter. Criteria: Invitae Variant Classification Sherloc (09022015). Collection method: clinical testing. Allele origin: germline.
Comment: This sequence change replaces serine, which is neutral and polar, with leucine, which is neutral and non-polar, at codon 850 of the DNA2 protein (p.Ser850Leu). This variant is not present in population databases (gnomAD no frequency). In summary, the available evidence is currently insufficient to determine the role of this variant in disease. Therefore, it has been classified as a Variant of Uncertain Significance. Advanced modeling of protein sequence and biophysical properties (such as structural, functional, and spatial information, amino acid conservation, physicochemical variation, residue mobility, and thermodynamic stability) performed at Invitae indicates that this missense variant is expected to disrupt DNA2 protein function. ClinVar contains an entry for this variant (Variation ID: 1496253). This variant has not been reported in the literature in individuals affected with DNA2-related conditions.

NM_001080449.3(DNA2):c.2549C>T (p.Ser850Leu)

Gene: DNA2 (DNA replication helicase/nuclease 2; minus strand). Cytogenetic location: 10q21.3.
Variant type: single nucleotide variant.
Coding change: c.2549C>T on transcript NM_001080449.3 (MANE Select); coding-DNA position 2549, C replaced by T.
Protein change: p.Ser850Leu; replaces serine 850 with leucine.
Molecular consequence: missense variant. On other transcripts: non-coding transcript variant (1).
Genome position (GRCh38, 1-based): chr10:68,422,373, G>A on the plus strand (C>T on the coding strand, the complement: DNA2 is on the minus strand). VCF-style: chr10-68422373-G-A. GRCh37 (hg19) VCF-style: chr10-70182130-G-A.
Other names: short protein forms S850L.
Identifiers: ClinVar variation 1496253 (VCV001496253.6), dbSNP rs2051677362, ClinGen allele CA376845931.